The following is an entry in ClinVar:

ClinVar aggregate classification (germline): Uncertain significance (1 of 4 stars; one submission).

Allele frequency attached by ClinVar (database versions not stated): gnomAD exomes below 0.00001; ExAC 0.00001; gnomAD 0.00001.
gnomAD v4.1: 3 of 1,613,998 alleles (0.00019%); highest among the groups gnomAD compares: East Asian, 0.0045%; no homozygotes.

Submission:

Labcorp Genetics (formerly Invitae), Labcorp
Classification: Uncertain significance. Last evaluated: 2023-12-20. Review status: criteria provided, single submitter. Criteria: Invitae Variant Classification Sherloc (09022015). Collection method: clinical testing. Allele origin: germline.
Comment: This sequence change replaces glutamic acid, which is acidic and polar, with lysine, which is basic and polar, at codon 959 of the SETBP1 protein (p.Glu959Lys). This variant is present in population databases (rs778015039, gnomAD 0.003%). This variant has not been reported in the literature in individuals affected with SETBP1-related conditions. Advanced modeling of protein sequence and biophysical properties (such as structural, functional, and spatial information, amino acid conservation, physicochemical variation, residue mobility, and thermodynamic stability) has been performed at Invitae for this missense variant, however the output from this modeling did not meet the statistical confidence thresholds required to predict the impact of this variant on SETBP1 protein function. In summary, the available evidence is currently insufficient to determine the role of this variant in disease. Therefore, it has been classified as a Variant of Uncertain Significance.

NM_015559.3(SETBP1):c.2875G>A (p.Glu959Lys)

Gene: SETBP1 (SET binding protein 1; plus strand). Cytogenetic location: 18q12.3.
Variant type: single nucleotide variant.
Coding change: c.2875G>A on transcript NM_015559.3 (MANE Select); coding-DNA position 2875, G replaced by A.
Protein change: p.Glu959Lys; replaces glutamic acid 959 with lysine.
Molecular consequence: missense variant.
Genome position (GRCh38, 1-based): chr18:44,952,215, G>A. VCF-style: chr18-44952215-G-A. GRCh37 (hg19) VCF-style: chr18-42532180-G-A.
Other names: c.2875G>A, p.Glu959Lys (NM_001379141.1, NM_001379142.1, NM_001410862.1); short protein forms E959K.
Identifiers: ClinVar variation 2789599 (VCV002789599.3), dbSNP rs778015039, ClinGen allele CA8945818.